The following is an entry in ClinVar:

NM_015268.4(DNAJC13):c.282T>G (p.Leu94=)

Gene: DNAJC13 (DnaJ heat shock protein family (Hsp40) member C13; plus strand). Cytogenetic location: 3q22.1.
Variant type: single nucleotide variant.
Coding change: c.282T>G on transcript NM_015268.4 (MANE Select); coding-DNA position 282, T replaced by G.
Protein change: p.Leu94=; no amino-acid change (leucine 94 retained).
Molecular consequence: synonymous variant.
Genome position (GRCh38, 1-based): chr3:132,447,458, T>G. VCF-style: chr3-132447458-T-G. GRCh37 (hg19) VCF-style: chr3-132166302-T-G.
Other names: p.Leu94=; c.282T>G, p.Leu94= (NM_001329126.2); c.282T>G (NM_015268.3).
Identifiers: ClinVar variation 1210070 (VCV001210070.6), dbSNP rs116489157, ClinGen allele CA2618398.

ClinVar aggregate classification (germline): Benign/Likely benign. Review status: criteria provided, multiple submitters, no conflicts (2 of 4 stars). 5 submissions from 5 submitters: Benign (1); Likely benign (1). 3 of the submissions do not count toward it. Last evaluated 2023-06-16.

Conditions:
DNAJC13-related disorder. Also called: DNAJC13-related condition.

Allele frequency attached by ClinVar (database versions not stated): 1000 Genomes Project 0.00439; gnomAD exomes 0.01193 and 0.01578; TOPMed 0.01056; gnomAD 0.01149 and 0.01156; ExAC 0.01181; 1000 Genomes Project 30x 0.00484; ESP Exome Variant Server 0.01293.
gnomAD v4.1: 24,068 of 1,574,692 alleles (1.5%); highest among the groups gnomAD compares: Non-Finnish European, 1.7%; 226 homozygotes.

Submissions (5):

Mayo Clinic Laboratories, Mayo Clinic
Classification: Benign. Last evaluated: 2023-06-16. Review status: criteria provided, single submitter. Criteria: ACMG Guidelines, 2015. Collection method: clinical testing. Allele origin: germline. Observed: 19 variant alleles.
Comment: BS1, BS2, BP4, BP7

Breakthrough Genomics
Classification: Likely benign. Review status: criteria provided, single submitter. Criteria: ACMG Guidelines, 2015. Collection method: not provided. Allele origin: germline. Inheritance: Unknown mechanism. Affected: yes.

PreventionGenetics, part of Exact Sciences
Classification: Likely benign for DNAJC13-related condition. Last evaluated: 2019-03-29. Review status: no assertion criteria provided. Collection method: clinical testing. Allele origin: germline. Not counted in ClinVar's aggregate classification.
Comment: This variant is classified as likely benign based on ACMG/AMP sequence variant interpretation guidelines (Richards et al. 2015 PMID: 25741868, with internal and published modifications).

Clinical Genetics DNA and cytogenetics Diagnostics Lab, Erasmus MC, Erasmus Medical Center
Classification: Benign. Review status: no assertion criteria provided. Collection method: clinical testing. Allele origin: germline. Affected: yes. Study: VKGL Data-share Consensus. Not counted in ClinVar's aggregate classification.

Genome Diagnostics Laboratory, Amsterdam University Medical Center
Classification: Likely benign. Review status: no assertion criteria provided. Collection method: clinical testing. Allele origin: germline. Affected: yes. Study: VKGL Data-share Consensus. Not counted in ClinVar's aggregate classification.